The following is an entry in ClinVar:

NM_000202.8(IDS):c.1394A>C (p.Gln465Pro)

Gene: IDS (iduronate 2-sulfatase; minus strand). Cytogenetic location: Xq28.
Variant type: single nucleotide variant.
Coding change: c.1394A>C on transcript NM_000202.8 (MANE Select); coding-DNA position 1394, A replaced by C.
Protein change: p.Gln465Pro; replaces glutamine 465 with proline.
Molecular consequence: missense variant.
Genome position (GRCh38, 1-based): chrX:149,483,005, T>G on the plus strand (A>C on the coding strand, the complement: IDS is on the minus strand). VCF-style: chrX-149483005-T-G. GRCh37 (hg19) VCF-style: chrX-148564536-T-G.
Other names: c.1124A>C, p.Gln375Pro (NM_001166550.4); short protein forms Q375P, Q465P.
Identifiers: ClinVar variation 3256042 (VCV003256042.2).

ClinVar aggregate classification (germline): Likely pathogenic (1 of 4 stars; one submission).

Conditions:
Mucopolysaccharidosis, MPS-II (MPS2). Also called: Hunter Syndrome; IDURONATE 2-SULFATASE DEFICIENCY; Mucopolysaccharidosis Type II; Mucopolysaccharidosis type 2; Attenuated MPS (subtype; formerly known as mild MPS II); Severe MPS II. Identifiers: Orphanet 580, Orphanet 79388, MedGen C0026705, MONDO:0010674, OMIM 309900.

Submission:

Laboratory of Diagnosis and Therapy of Lysosomal Disorders, University of Padova
Classification: Likely pathogenic for Mucopolysaccharidosis, MPS-II. Last evaluated: 2024-06-07. Review status: criteria provided, single submitter. Criteria: ACMG Guidelines, 2015. Collection method: literature only. Allele origin: germline. Affected: yes. Observed: 1 variant allele.
Comment: Absent from controls (or at low frequency) in gnomAD database (PM2_Moderate), Missense variant in a gene with a low rate of benign missense variation (PP2_Supporting), Multiple lines of computational evidence support a deleterious effect (PP3_Supporting), Patient’s phenotype or family history highly specific for the disease (PP4_Strong)

Classification method: ACMG Guidelines [PMID:25741868] with modifications

Literature cited by the submitters: PubMed 10447264.